The following is an entry in ClinVar:

NM_000169.3(GLA):c.224T>G (p.Leu75Arg)

Genes: GLA (galactosidase alpha; minus strand), RPL36A-HNRNPH2 (RPL36A-HNRNPH2 readthrough; plus strand). Cytogenetic location: Xq22.1.
Variant type: single nucleotide variant.
Coding change: c.224T>G on transcript NM_000169.3 (MANE Select); coding-DNA position 224, T replaced by G.
Protein change: p.Leu75Arg; replaces leucine 75 with arginine.
Molecular consequence: missense variant. On other transcripts: non-coding transcript variant (3), intron variant (2).
Genome position (GRCh38, 1-based): chrX:101,403,956, A>C on the plus strand (T>G on the coding strand, the complement: GLA is on the minus strand). VCF-style: chrX-101403956-A-C. GRCh37 (hg19) VCF-style: chrX-100658944-A-C.
Other names: c.347T>G, p.Leu116Arg (NM_001406747.1, NM_001406749.1); c.224T>G, p.Leu75Arg (NM_001406748.1); c.301-7980A>C (NM_001199973.2); c.178-7980A>C (NM_001199974.2); short protein forms L116R, L75R.
Identifiers: ClinVar variation 4974870 (VCV004974870.1).
Genomic context (GRCh38, chrX:101,403,956, plus strand): 5'-CAACAGTCATCAATGCAGAGGTACTCATAACCTGCATCCTTCCAGCCTTCTGAGACCATG[A>C]GCTCTGCCATCTCCATGAAGAGCTTCTCACTGAAAGAGAAATTCCAATAATCATTACAAT-3'
Protein context (NP_000160.1, residues 65-85): SEKLFMEMAE[Leu75Arg]MVSEGWKDAG

ClinVar aggregate classification (germline): Uncertain significance (1 of 4 stars; one submission).

Conditions:
Fabry disease. Also called: Fabry's disease; ALPHA-GALACTOSIDASE A DEFICIENCY; ANDERSON-FABRY DISEASE; CERAMIDE TRIHEXOSIDASE DEFICIENCY; GLA DEFICIENCY; HEREDITARY DYSTOPIC LIPIDOSIS. Identifiers: Orphanet 324, MedGen C0002986, MONDO:0010526, OMIM 301500, HP:0001071. Disease mechanism: Fabry disease is due to inactivating mutations in the X-linked GLA gene resulting in deficiency of the enzyme Alpha Galactosidase-A., loss of function.

Submission:

Genomenon, Inc
Classification: Uncertain significance for Fabry disease. Last evaluated: 2026-09-08. Review status: criteria provided, single submitter. Criteria: Genomenon Sequence Variant Interpretation Standards - Updated. Collection method: curation. Allele origin: germline. Affected: no.
Comment: GLA p.Leu75Arg (c.224T>G) is a missense variant that changes the amino acid at codon 75 from Leucine to Arginine. This variant has been reported in the published literature (PMID:39468034). It is absent or not present at a significant frequency in gnomAD. In conclusion, we classify GLA p.Leu75Arg (c.224T>G) as a variant of uncertain significance.

Literature cited by the submitters: PubMed 39468034.